The following is an entry in ClinVar:

ClinVar aggregate classification (germline): Uncertain significance (1 of 4 stars; one submission).

Conditions:
TTC21B-related disorder. Also called: TTC21B-related disorders; TTC21B-related condition.

gnomAD v4.1: 8 of 1,613,612 alleles (0.0005%); highest among the groups gnomAD compares: Admixed American, 0.0017%; no homozygotes.

Submission:

PreventionGenetics, part of Exact Sciences
Classification: Uncertain significance for TTC21B-related condition. Last evaluated: 2025-02-17. Review status: criteria provided, single submitter. Criteria: ACMG Guidelines, 2015. Collection method: clinical testing. Allele origin: germline.
Comment: The TTC21B c.392T>C variant is predicted to result in the amino acid substitution p.Ile131Thr. To our knowledge, this variant has not been reported in the literature. This variant is reported in 0.0018% of alleles in individuals of European (Non-Finnish) descent in gnomAD. At this time, the clinical significance of this variant is uncertain due to the absence of conclusive functional and genetic evidence.

NM_024753.5(TTC21B):c.392T>C (p.Ile131Thr)

Genes: TTC21B (tetratricopeptide repeat domain 21B; minus strand), TTC21B-AS1 (TTC21B antisense RNA 1; plus strand). Cytogenetic location: 2q24.3.
Variant type: single nucleotide variant.
Coding change: c.392T>C on transcript NM_024753.5 (MANE Select); coding-DNA position 392, T replaced by C.
Protein change: p.Ile131Thr; replaces isoleucine 131 with threonine.
Molecular consequence: missense variant.
Genome position (GRCh38, 1-based): chr2:165,945,561, A>G on the plus strand (T>C on the coding strand, the complement: TTC21B is on the minus strand). VCF-style: chr2-165945561-A-G. GRCh37 (hg19) VCF-style: chr2-166802071-A-G.
Other names: short protein forms I131T.
Identifiers: ClinVar variation 5002507 (VCV005002507.1).